The following is an entry in ClinVar:

ClinVar aggregate classification (germline): Uncertain significance (1 of 4 stars; one submission).

Conditions:
MYH14-related disorder. Also called: MYH14-related condition.

Submission:

PreventionGenetics, part of Exact Sciences
Classification: Uncertain significance for MYH14-related condition. Last evaluated: 2025-12-23. Review status: criteria provided, single submitter. Criteria: ACMG Guidelines, 2015. Collection method: clinical testing. Allele origin: germline.
Comment: The MYH14 c.2410G>T variant is predicted to result in the amino acid substitution p.Ala804Ser. To our knowledge, this variant has not been reported in the literature or in a large population database (gnomAD), indicating this variant is rare. At this time, the clinical significance of this variant is uncertain due to the absence of conclusive functional and genetic evidence.

NM_001145809.2(MYH14):c.2410G>T (p.Ala804Ser)

Gene: MYH14 (myosin heavy chain 14; plus strand). Cytogenetic location: 19q13.33.
Variant type: single nucleotide variant.
Coding change: c.2410G>T on transcript NM_001145809.2 (MANE Select); coding-DNA position 2410, G replaced by T.
Protein change: p.Ala804Ser; replaces alanine 804 with serine.
Molecular consequence: missense variant.
Genome position (GRCh38, 1-based): chr19:50,260,701, G>T. VCF-style: chr19-50260701-G-T. GRCh37 (hg19) VCF-style: chr19-50763958-G-T.
Other names: c.2311G>T, p.Ala771Ser (NM_001077186.2); c.2287G>T, p.Ala763Ser (NM_024729.4); short protein forms A804S, A763S, A771S.
Identifiers: ClinVar variation 4998894 (VCV004998894.1).